The following is an entry in ClinVar:

ClinVar aggregate classification (germline): Benign/Likely benign. Review status: criteria provided, multiple submitters, no conflicts (2 of 4 stars). 3 submissions from 3 submitters: Benign (2); Likely benign (1). Last evaluated 2026-07-10.

Conditions:
KIZ-related disorder. Also called: KIZ-related condition.

Allele frequency attached by ClinVar (database versions not stated): gnomAD exomes 0.00061 and 0.00150; ExAC 0.00186; 1000 Genomes Project 0.00439; 1000 Genomes Project 30x 0.00484; gnomAD 0.00615 and 0.00661; TOPMed 0.00683; ESP Exome Variant Server 0.00702.
gnomAD v4.1: 1,853 of 1,613,290 alleles (0.11%); highest among the groups gnomAD compares: African/African-American, 2.3%; 27 homozygotes.

Submissions (3):

PreventionGenetics, part of Exact Sciences
Classification: Likely benign for KIZ-related condition. Last evaluated: 2026-07-10. Review status: criteria provided, single submitter. Criteria: ACMG Guidelines, 2015. Collection method: clinical testing. Allele origin: germline.
Comment: This variant is classified as likely benign based on ACMG/AMP sequence variant interpretation guidelines (Richards et al. 2015 PMID: 25741868, with internal and published modifications).

Labcorp Genetics (formerly Invitae), Labcorp
Classification: Benign. Last evaluated: 2026-02-01. Review status: criteria provided, single submitter. Criteria: Invitae Variant Classification Sherloc (09022015). Collection method: clinical testing. Allele origin: germline.

Breakthrough Genomics
Classification: Benign. Review status: criteria provided, single submitter. Criteria: ACMG Guidelines, 2015. Collection method: not provided. Allele origin: germline. Inheritance: Autosomal recessive inheritance. Affected: yes.

NM_018474.6(KIZ):c.1488C>T (p.Gly496=)

Genes: KIZ (kizuna centrosomal protein; plus strand), KIZ-AS1 (KIZ antisense RNA 1; minus strand). Cytogenetic location: 20p11.23.
Variant type: single nucleotide variant.
Coding change: c.1488C>T on transcript NM_018474.6 (MANE Select); coding-DNA position 1488, C replaced by T.
Protein change: p.Gly496=; no amino-acid change (glycine 496 retained).
Molecular consequence: synonymous variant.
Genome position (GRCh38, 1-based): chr20:21,214,576, C>T. VCF-style: chr20-21214576-C-T. GRCh37 (hg19) VCF-style: chr20-21195214-C-T.
Other names: c.1179C>T, p.Gly393= (NM_001163022.3); c.1089C>T, p.Gly363= (NM_001163023.3); c.1341C>T, p.Gly447= (NM_001276389.2); c.1434C>T, p.Gly478= (NM_001352434.2); c.1125C>T, p.Gly375= (NM_001352435.2); c.1146C>T, p.Gly382= (NM_001352436.2); c.1488C>T (NM_018474.5).
Identifiers: ClinVar variation 780601 (VCV000780601.13), dbSNP rs36064635, ClinGen allele CA9784886.